The following is an entry in ClinVar:

NM_002693.3(POLG):c.2420G>C (p.Arg807Pro)

Gene: POLG (DNA polymerase gamma, catalytic subunit; minus strand). Cytogenetic location: 15q26.1.
Variant type: single nucleotide variant.
Coding change: c.2420G>C on transcript NM_002693.3 (MANE Select); coding-DNA position 2420, G replaced by C.
Protein change: p.Arg807Pro; replaces arginine 807 with proline.
Molecular consequence: missense variant.
Genome position (GRCh38, 1-based): chr15:89,322,748, C>G on the plus strand (G>C on the coding strand, the complement: POLG is on the minus strand). VCF-style: chr15-89322748-C-G. GRCh37 (hg19) VCF-style: chr15-89865979-C-G.
Other names: c.2420G>C, p.Arg807Pro (NM_001126131.2); short protein forms R807P.
Identifiers: ClinVar variation 2736252 (VCV002736252.5), dbSNP rs796052887, ClinGen allele CA393756188.

ClinVar aggregate classification (germline): Pathogenic/Likely pathogenic. Review status: criteria provided, multiple submitters, no conflicts (2 of 4 stars). 3 submissions from 3 submitters: Pathogenic (2); Likely pathogenic (1). Last evaluated 2025-11-20.

Conditions:
Progressive sclerosing poliodystrophy (MTDPS4A). Also called: ALPERS PROGRESSIVE INFANTILE POLIODYSTROPHY; Alpers Syndrome; ALPERS DIFFUSE DEGENERATION OF CEREBRAL GRAY MATTER WITH HEPATIC CIRRHOSIS; Alpers-Huttenlocher Syndrome; NEURONAL DEGENERATION OF CHILDHOOD WITH LIVER DISEASE, PROGRESSIVE; Mitochondrial DNA depletion syndrome 4A (Alpers type). Identifiers: Orphanet 726, MedGen C0205710, MONDO:0008758, OMIM 203700.
POLG-related disorder. Also called: POLG-related condition; POLG-Related Disorders; POLG-Related Spectrum Disorders. Identifiers: MedGen C4763519.
Mitochondrial DNA depletion syndrome. Also called: mitochondrial DNA depletion. Identifiers: Orphanet 35698, MedGen C0342782, MONDO:0018158.

gnomAD v4.1: 3 of 1,613,940 alleles (0.00019%); highest among the groups gnomAD compares: East Asian, 0.0022%; no homozygotes.

Submissions (3):

Women's Health and Genetics/Laboratory Corporation of America, LabCorp
Classification: Pathogenic for Mitochondrial DNA depletion syndrome. Last evaluated: 2025-11-20. Review status: criteria provided, single submitter. Criteria: LabCorp Variant Classification Summary - May 2015. Collection method: clinical testing. Allele origin: germline.
Comment: Variant summary: POLG c.2420G>C (p.Arg807Pro) results in a non-conservative amino acid change in the encoded protein sequence. Algorithms developed to predict the effect of missense changes on protein structure and function all suggest that this variant is likely to be disruptive. The variant was absent in 250946 control chromosomes. c.2420G>C has been observed in compound heterozygous individual(s) affected with Mitochondrial DNA Depletion Syndrome - POLG Related (e.g. Di Fonzo_2003, Sarzi_2007). These data indicate that the variant is likely to be associated with disease. To our knowledge, no experimental evidence demonstrating an impact on protein function has been reported. A different variant affecting the same codon has been classified as pathogenic in ClinVar (c.2419C>T, p.Arg807Cys), supporting the critical relevance of codon 807 to POLG protein function. The following publications have been ascertained in the context of this evaluation (PMID: 14635118, 17452231). ClinVar contains an entry for this variant (Variation ID: 2736252). Based on the evidence outlined above, the variant was classified as pathogenic.

Myriad Genetics, Inc.
Classification: Likely pathogenic for POLG-related disorder. Last evaluated: 2025-09-30. Review status: criteria provided, single submitter. Criteria: Myriad Autosomal Dominant, Autosomal Recessive and X-Linked Classification Criteria (2023). Collection method: clinical testing. Allele origin: unknown.
Comment: NM_002693.2(POLG):c.2420G>C(R807P) is a missense variant classified as likely pathogenic in the context of POLG-related disorders. R807P has been observed in cases with relevant disease (PMID: 14635118, 17452231). Relevant functional assessments of this variant are not available in the literature. R807P has not been observed in referenced population frequency databases. In summary, NM_002693.2(POLG):c.2420G>C(R807P) is a missense variant that has been observed more frequently in cases with the relevant disease than in healthy populations. Please note: this variant was assessed in the context of healthy population screening.

Labcorp Genetics (formerly Invitae), Labcorp
Classification: Pathogenic for Progressive sclerosing poliodystrophy. Last evaluated: 2023-03-03. Review status: criteria provided, single submitter. Criteria: Invitae Variant Classification Sherloc (09022015). Collection method: clinical testing. Allele origin: germline.
Comment: Advanced modeling of protein sequence and biophysical properties (such as structural, functional, and spatial information, amino acid conservation, physicochemical variation, residue mobility, and thermodynamic stability) performed at Invitae indicates that this missense variant is expected to disrupt POLG protein function. For these reasons, this variant has been classified as Pathogenic. This variant disrupts the p.Arg807 amino acid residue in POLG. Other variant(s) that disrupt this residue have been determined to be pathogenic (PMID: 16919951, 21357833, 28471437). This suggests that this residue is clinically significant, and that variants that disrupt this residue are likely to be disease-causing. This missense change has been observed in individual(s) with clinical features of autosomal recessive POLG-related disorders (PMID: 14635118). In at least one individual the data is consistent with being in trans (on the opposite chromosome) from a pathogenic variant. This variant is not present in population databases (gnomAD no frequency). This sequence change replaces arginine, which is basic and polar, with proline, which is neutral and non-polar, at codon 807 of the POLG protein (p.Arg807Pro).

Literature cited by the submitters: PubMed 17452231 (cited by Women's Health and Genetics/Laboratory Corporation of America, LabCorp and Myriad Genetics, Inc.); PubMed 14635118 (cited by 3 submitters); PubMed 16919951 (cited by Labcorp Genetics (formerly Invitae), Labcorp); PubMed 21357833 (cited by Labcorp Genetics (formerly Invitae), Labcorp); PubMed 28471437 (cited by Labcorp Genetics (formerly Invitae), Labcorp).